The following is an entry in ClinVar:

ClinVar aggregate classification (germline): Uncertain significance. Review status: criteria provided, multiple submitters, no conflicts (2 of 4 stars). 2 submissions from 2 submitters: Uncertain significance (2). Last evaluated 2024-01-04.

Conditions:
Charcot-Marie-Tooth Neuropathy X. Identifiers: MedGen CN118851.

Submissions (2):

Labcorp Genetics (formerly Invitae), Labcorp
Classification: Uncertain significance for Charcot-Marie-Tooth Neuropathy X. Last evaluated: 2024-01-04. Review status: criteria provided, single submitter. Criteria: Invitae Variant Classification Sherloc (09022015). Collection method: clinical testing. Allele origin: germline.
Comment: This sequence change replaces asparagine, which is neutral and polar, with lysine, which is basic and polar, at codon 61 of the GJB1 protein (p.Asn61Lys). This variant is not present in population databases (gnomAD no frequency). This variant has not been reported in the literature in individuals affected with GJB1-related conditions. Advanced modeling of protein sequence and biophysical properties (such as structural, functional, and spatial information, amino acid conservation, physicochemical variation, residue mobility, and thermodynamic stability) performed at Invitae indicates that this missense variant is not expected to disrupt GJB1 protein function with a negative predictive value of 80%. In summary, the available evidence is currently insufficient to determine the role of this variant in disease. Therefore, it has been classified as a Variant of Uncertain Significance.

Blueprint Genetics
Classification: Uncertain significance. Last evaluated: 2021-12-22. Review status: criteria provided, single submitter. Criteria: ACMG Guidelines, 2015. Collection method: clinical testing. Allele origin: germline.

NM_000166.6(GJB1):c.183C>G (p.Asn61Lys)

Gene: GJB1 (gap junction protein beta 1; plus strand). Cytogenetic location: Xq13.1.
Variant type: single nucleotide variant.
Coding change: c.183C>G on transcript NM_000166.6 (MANE Select); coding-DNA position 183, C replaced by G.
Protein change: p.Asn61Lys; replaces asparagine 61 with lysine.
Molecular consequence: missense variant.
Genome position (GRCh38, 1-based): chrX:71,223,890, C>G. VCF-style: chrX-71223890-C-G. GRCh37 (hg19) VCF-style: chrX-70443740-C-G.
Other names: c.183C>G, p.Asn61Lys (NM_001097642.3); short protein forms N61K.
Identifiers: ClinVar variation 2707384 (VCV002707384.4), dbSNP rs1364055284, ClinGen allele CA413501329.